The following continues an entry in ClinVar:

NM_002168.4(IDH2):c.419G>A (p.Arg140Gln)

Gene: IDH2. ClinVar aggregate classification (germline): Pathogenic/Likely pathogenic. Pathogenic (7); Likely pathogenic (4). ClinVar aggregate classification (oncogenicity): Oncogenic.

Submissions 10 to 15 of 15:

Victorian Clinical Genetics Services, Murdoch Childrens Research Institute
Classification: Pathogenic for D-2-hydroxyglutaric aciduria 2. Last evaluated: 2022-02-02. Review status: criteria provided, single submitter. Criteria: ACMG Guidelines, 2015. Collection method: clinical testing. Allele origin: germline. Inheritance: Autosomal dominant inheritance. Affected: yes.
Comment: Based on the classification scheme VCGS_Germline_v1.3.4, this variant is classified as Pathogenic. Following criteria are met: 0103 - Loss of function and gain of function are known mechanisms of disease in this gene and are associated with D-2-hydroxyglutaric aciduria 2 (MIM#613657). Mutant IDH2 was unable to carry out the decarboxylation of isocitrate to a-ketoglutarate (a-KG), but instead gained the neomorphic activity to reduce a-KG to R(-)-2-hydroxyglutarete (2-HG) (PMID: 21647154). (I) 0107 - This gene is associated with autosomal dominant disease. (I) 0200 - Variant is predicted to result in a missense amino acid change from arginine to glutamine. (I) 0251 - This variant is heterozygous. (I) 0302 - Variant is present in gnomAD (v3) <0.001 for a dominant condition (10 heterozygotes, 0 homozygotes). (SP) 0501 - Missense variant consistently predicted to be damaging by multiple in silico tools and highly conserved with a minor amino acid change. (SP) 0602 - Variant is located in a hotspot region or cluster of pathogenic variants. This variant is also located in the substrate binding region (Decipher, UniProt). (SP) 0801 - This variant has strong previous evidence of pathogenicity in unrelated individuals. This variant has been reported in at least ten individuals with D-2-hydroxyglutaric aciduria 2 (ClinVar, PMID: 20847235). However, it should also be noted that the same variant has been reported in somatic tissues across various malignancies (PMIDs: 24589777, 21647154, 23949315). (SP) 1001 - This variant has strong functional evidence supporting abnormal protein function. Patient lymphoblast cell lines heterozygous for the p.(Arg140Gln) variant demonstrated increased conversion of 2-ketoglutarate to D-2-hydroxyglutarate compared with cells from healthy individuals (PMID: 21889589). However, it should be noted that mosaicism has been reported for this variant (PMID: 24049096). (SP) Legend: (SP) - Supporting pathogenic, (I) - Information, (SB) - Supporting benign

3billion
Classification: Pathogenic for D-2-hydroxyglutaric aciduria 2. Last evaluated: 2021-10-02. Review status: criteria provided, single submitter. Criteria: ACMG Guidelines, 2015. Collection method: clinical testing. Allele origin: germline. Affected: yes. Observed: 1 heterozygote.
Comment: Same nucleotide change resulting in same amino acid change has been previously reported as pathogenic (ClinVar ID: VCV000014716.9, PMID:20847235, PS1). It is observed at an low frequency in the gnomAD v2.1.1 dataset (total allele frequency: 0.0000318). The variant was observed as assumed (i.e. paternity and maternity not confirmed) de novoo (3billion dataset, PM6). In silico tool predictions suggest damaging effect of the variant on gene or gene product (REVEL: 0.891, 3Cnet: 0.833, PP3). Therefore, this variant is classified as pathogenic according to the recommendation of ACMG/AMP guideline.

Mendelics
Classification: Likely pathogenic for D-2-hydroxyglutaric aciduria 2. Last evaluated: 2019-05-28. Review status: criteria provided, single submitter. Criteria: Mendelics Assertion Criteria 2017. Collection method: clinical testing. Allele origin: unknown.

Baylor Genetics
Classification: Pathogenic for D-2-hydroxyglutaric aciduria 2. Last evaluated: 2017-09-01. Review status: criteria provided, single submitter. Criteria: ACMG Guidelines, 2015. Collection method: clinical testing. Allele origin: de novo. Inheritance: Autosomal dominant inheritance. Affected: yes.

Genetic Services Laboratory, University of Chicago
Classification: Pathogenic for D-2-hydroxyglutaric aciduria 2. Last evaluated: 2018-08-02. Review status: no assertion criteria provided. Collection method: clinical testing. Allele origin: germline. Affected: yes. Not counted in ClinVar's aggregate classification.
Comment: DNA sequence analysis of the IDH2 gene demonstrated a sequence change, c.419G>A, in exon 4 that results in an amino acid change, p.Arg140Gln. This variant has been described in the EXAC database with a low population frequency of 0.01% (dbSNP rs121913502). The p.Arg140Gln change affects a highly conserved amino acid residue located in a domain of the IDH2 protein that is known to be functional. This pathogenic sequence change has previously been described in at least 14 patients with IDH2-related D2-hydroxyglutaric aciduira type II, including in the confirmed de novo state in some families (Kranendijk et al., 2010). In one family with the p.Arg140Gln pathogenic sequence change, the patient's mother was identified as having somatic mosaicism for the variant (Kranendijk et al., 2010). In vitro enzyme assays in lymphoblasts demonstrate that this variant has increased reaction rates compare to controls, and results in a gain of function (Kranendijk et. al., 2011)

OMIM
Classification: Pathogenic for D-2-HYDROXYGLUTARIC ACIDURIA 2. Last evaluated: 2013-11-01. Review status: no assertion criteria provided. Collection method: literature only. Allele origin: unknown. Not counted in ClinVar's aggregate classification.

Literature cited by the submitters: PubMed 20171147 (cited by 3 submitters); PubMed 23558173 (cited by Center for Genomic Medicine, Rigshospitalet, Copenhagen University Hospital and OMIM); PubMed 20567020 (cited by Center for Virology of Infectious and Tropical Diseases (CVMIT), Mohammed V Military Teaching Hospital); PubMed 28588020 (cited by Center for Virology of Infectious and Tropical Diseases (CVMIT), Mohammed V Military Teaching Hospital); PubMed 20847235 (cited by 7 submitters); PubMed 34641967 (cited by 3 submitters); PubMed 27591990 (cited by Center for Genomic Medicine, Rigshospitalet, Copenhagen University Hospital); PubMed 21889589 (cited by 4 submitters); PubMed 23949315 (cited by Rady Children's Institute for Genomic Medicine, Rady Children's Hospital San Diego and Victorian Clinical Genetics Services, Murdoch Childrens Research Institute); PubMed 24049096 (cited by 4 submitters); PubMed 24589777 (cited by Rady Children's Institute for Genomic Medicine, Rady Children's Hospital San Diego and Victorian Clinical Genetics Services, Murdoch Childrens Research Institute); PubMed 25398939 (cited by Labcorp Genetics (formerly Invitae), Labcorp); PubMed 21647154 (cited by Victorian Clinical Genetics Services, Murdoch Childrens Research Institute); PubMed 25326635 (cited by Baylor Genetics).